The following is an entry in ClinVar:

NC_000006.11:g.(?_65655666)_(65767640_?)del

Gene: EYS (eyes shut homolog; minus strand). Cytogenetic location: 6q12.
Variant type: Deletion.
Identifiers: ClinVar variation 3246103 (VCV003246103.1).

ClinVar aggregate classification (germline): Pathogenic (1 of 4 stars; one submission).

Submission:

Labcorp Genetics (formerly Invitae), Labcorp
Classification: Pathogenic. Last evaluated: 2023-12-11. Review status: criteria provided, single submitter. Criteria: Invitae Variant Classification Sherloc (09022015). Collection method: clinical testing. Allele origin: unknown.
Comment: This variant is a gross deletion of the genomic region encompassing exon(s) 13-15 of the EYS gene. This deletion is out-of-frame, and is expected to create a premature termination codon and result in an absent or disrupted protein product. Loss-of-function variants in EYS are known to be pathogenic (PMID: 18836446, 20333770). This variant has not been reported in the literature in individuals affected with EYS-related conditions. For these reasons, this variant has been classified as Pathogenic.

Literature cited by the submitters: PubMed 18836446; PubMed 20333770.